The following is an entry in ClinVar:

ClinVar aggregate classification (germline): Pathogenic. Review status: criteria provided, multiple submitters, no conflicts (2 of 4 stars). 4 submissions from 4 submitters: Pathogenic (4). Last evaluated 2025-07-24.

Conditions:
3-methylglutaconic aciduria with deafness, encephalopathy, and Leigh-like syndrome (MEGDEL). Also called: 3-METHYLGLUTACONIC ACIDURIA, TYPE VI; SERAC1 Deficiency; MEGDEL syndrome. Identifiers: Orphanet 352328, MedGen C4040739, MONDO:0013875, OMIM 614739.

Allele frequency attached by ClinVar (database versions not stated): TOPMed below 0.00001; ExAC 0.00001; gnomAD exomes 0.00001.
gnomAD v4.1: 9 of 1,613,994 alleles (0.00056%); highest among the groups gnomAD compares: South Asian, 0.0022%; no homozygotes.

Submissions (4):

GeneDx
Classification: Pathogenic. Last evaluated: 2025-07-24. Review status: criteria provided, single submitter. Criteria: GeneDx Variant Classification Process June 2021. Collection method: clinical testing. Allele origin: germline. Affected: yes.
Comment: Nonsense variant predicted to result in protein truncation or nonsense mediated decay in a gene for which loss of function is a known mechanism of disease; Not observed at significant frequency in large population cohorts (gnomAD); This variant is associated with the following publications: (PMID: 29205472, 32712949)

3billion
Classification: Pathogenic for 3-methylglutaconic aciduria with deafness, encephalopathy, and Leigh-like syndrome. Last evaluated: 2025-04-17. Review status: criteria provided, single submitter. Criteria: ACMG Guidelines, 2015. Collection method: clinical testing. Allele origin: germline. Affected: yes.
Comment: The variant is observed at an extremely low frequency in the gnomAD v4.1.0 dataset (total allele frequency: <0.001%). Predicted Consequence/Location: Stop-gained (nonsense): predicted to result in a loss or disruption of normal protein function through nonsense-mediated decay (NMD) or protein truncation. Multiple pathogenic variants are reported downstream of the variant.The variant was homozygous. The variant has been reported at least twice as pathogenic with clinical assertions and evidence for the classification (ClinVar ID: VCV002584436 / PMID: 29205472). Therefore, this variant is classified as Pathogenic according to the recommendation of ACMG/AMP guideline.

Labcorp Genetics (formerly Invitae), Labcorp
Classification: Pathogenic for 3-methylglutaconic aciduria with deafness, encephalopathy, and Leigh-like syndrome. Last evaluated: 2024-07-22. Review status: criteria provided, single submitter. Criteria: Invitae Variant Classification Sherloc (09022015). Collection method: clinical testing. Allele origin: germline.
Comment: This sequence change creates a premature translational stop signal (p.Arg447*) in the SERAC1 gene. It is expected to result in an absent or disrupted protein product. Loss-of-function variants in SERAC1 are known to be pathogenic (PMID: 22683713). This variant is present in population databases (rs752239703, gnomAD 0.007%). This premature translational stop signal has been observed in individual(s) with 3-methylglutaconic aciduria with deafness, encephalopathy, and Leigh-Like (MEGDEL) syndrome (PMID: 29205472). ClinVar contains an entry for this variant (Variation ID: 2584436). Algorithms developed to predict the effect of sequence changes on RNA splicing suggest that this variant may disrupt the consensus splice site. For these reasons, this variant has been classified as Pathogenic.

Rady Children's Institute for Genomic Medicine, Rady Children's Hospital San Diego
Classification: Pathogenic for 3-methylglutaconic aciduria with deafness, encephalopathy, and Leigh-like syndrome. Review status: criteria provided, single submitter. Criteria: ACMG Guidelines, 2015. Collection method: clinical testing. Allele origin: germline. Affected: yes.
Comment: This nonsense variant found in exon 13 of 17 is predicted to result in loss of normal protein function through either protein truncation or nonsense-mediated mRNA decay (NMD). This variant has been previously reported as a compound heterozygous and homozygous change in patients with SERAC1 deficiency (PMID: 29205472, 32712949, 35943861). Loss-of-function variation in SERAC1 is an established mechanism of disease (PMID: 29205472). The c.1339C>T (p.Arg447Ter) variant is present in the heterozygous state in the gnomAD population database at a frequency of 0.001% (3/251220), and is absent in the homozygous state, thus is presumed to be rare. Based on the available evidence, the c.1339C>T (p.Arg447Ter) variant is classified as Pathogenic.

Literature cited by the submitters: PubMed 29205472 (cited by 3billion and Labcorp Genetics (formerly Invitae), Labcorp); PubMed 22683713 (cited by Labcorp Genetics (formerly Invitae), Labcorp).

NM_032861.4(SERAC1):c.1339C>T (p.Arg447Ter)

Gene: SERAC1 (serine active site containing 1; minus strand). Cytogenetic location: 6q25.3.
Variant type: single nucleotide variant.
Coding change: c.1339C>T on transcript NM_032861.4 (MANE Select); coding-DNA position 1339, C replaced by T.
Protein change: p.Arg447Ter; replaces arginine 447 with a stop codon.
Molecular consequence: nonsense.
Genome position (GRCh38, 1-based): chr6:158,117,791, G>A on the plus strand (C>T on the coding strand, the complement: SERAC1 is on the minus strand). VCF-style: chr6-158117791-G-A. GRCh37 (hg19) VCF-style: chr6-158538823-G-A.
Other names: short protein forms R447*.
Identifiers: ClinVar variation 2584436 (VCV002584436.6), dbSNP rs752239703, ClinGen allele CA4071121.